The following is an entry in ClinVar:

ClinVar aggregate classification (germline): Conflicting classifications of pathogenicity. Review status: criteria provided, conflicting classifications (1 of 4 stars). 4 submissions from 4 submitters: Uncertain significance (2); Likely benign (2). Last evaluated 2025-12-15.

Conditions:
Inborn genetic diseases. Identifiers: MedGen C0950123, MeSH D030342.
3-hydroxyisobutyryl-CoA hydrolase deficiency. Also called: VALINE METABOLIC DEFECT; HIBCH DEFICIENCY; METHACRYLIC ACID TOXICITY; METHACRYLIC ACIDURIA; Reduced circulating 3-hydroxyisobutyryl-CoA hydrolase activity; Deficiency of 3-hydroxyisobutyryl CoA hydrolase. Identifiers: Orphanet 88639, MedGen C0342738, MONDO:0009603, OMIM 250620, HP:6000215.

Allele frequency attached by ClinVar (database versions not stated): gnomAD 0.00006; gnomAD exomes 0.00006; TOPMed 0.00006; ExAC 0.00007; ESP Exome Variant Server 0.00008.
gnomAD v4.1: 91 of 1,613,992 alleles (0.0056%); highest among the groups gnomAD compares: Non-Finnish European, 0.0072%; 1 homozygote.

Submissions (4):

Labcorp Genetics (formerly Invitae), Labcorp
Classification: Uncertain significance for 3-hydroxyisobutyryl-CoA hydrolase deficiency. Last evaluated: 2025-12-15. Review status: criteria provided, single submitter. Criteria: Invitae Variant Classification Sherloc (09022015). Collection method: clinical testing. Allele origin: germline.
Comment: This sequence change replaces lysine, which is basic and polar, with arginine, which is basic and polar, at codon 42 of the HIBCH protein (p.Lys42Arg). This variant is present in population databases (rs370294962, gnomAD 0.01%). This variant has not been reported in the literature in individuals affected with HIBCH-related conditions. ClinVar contains an entry for this variant (Variation ID: 2154249). Invitae Evidence Modeling of protein sequence and biophysical properties (such as structural, functional, and spatial information, amino acid conservation, physicochemical variation, residue mobility, and thermodynamic stability) indicates that this missense variant is not expected to disrupt HIBCH protein function with a negative predictive value of 80%. In summary, the available evidence is currently insufficient to determine the role of this variant in disease. Therefore, it has been classified as a Variant of Uncertain Significance.

Mayo Clinic Laboratories, Mayo Clinic
Classification: Uncertain significance. Last evaluated: 2025-01-22. Review status: criteria provided, single submitter. Criteria: ACMG Guidelines, 2015. Collection method: clinical testing. Allele origin: germline. Observed: 1 variant allele.
Comment: BP4

Blueprint Genetics
Classification: Likely benign. Last evaluated: 2024-11-05. Review status: criteria provided, single submitter. Criteria: ACMG Guidelines, 2015. Collection method: clinical testing. Allele origin: germline.

Ambry Genetics
Classification: Likely benign for Inborn genetic diseases. Last evaluated: 2024-09-03. Review status: criteria provided, single submitter. Criteria: Ambry Variant Classification Scheme 2023. Collection method: clinical testing. Allele origin: germline.

NM_014362.4(HIBCH):c.125A>G (p.Lys42Arg)

Gene: HIBCH (3-hydroxyisobutyryl-CoA hydrolase; minus strand). Cytogenetic location: 2q32.2.
Variant type: single nucleotide variant.
Coding change: c.125A>G on transcript NM_014362.4 (MANE Select); coding-DNA position 125, A replaced by G.
Protein change: p.Lys42Arg; replaces lysine 42 with arginine.
Molecular consequence: missense variant.
Genome position (GRCh38, 1-based): chr2:190,296,907, T>C on the plus strand (A>G on the coding strand, the complement: HIBCH is on the minus strand). VCF-style: chr2-190296907-T-C. GRCh37 (hg19) VCF-style: chr2-191161633-T-C.
Other names: p.Lys42Arg; c.125A>G (NM_014362.3); c.125A>G, p.Lys42Arg (NM_198047.3); short protein forms K42R.
Identifiers: ClinVar variation 2154249 (VCV002154249.5), dbSNP rs370294962, ClinGen allele CA2027765.